The following is an entry in ClinVar:

NM_001042750.2(STAG2):c.2097-4A>C

Gene: STAG2 (STAG2 cohesin complex component; plus strand). Cytogenetic location: Xq25.
Variant type: single nucleotide variant.
Coding change: c.2097-4A>C on transcript NM_001042750.2 (MANE Select); 4 bases into the intron before coding-DNA position 2097, A replaced by C.
Molecular consequence: intron variant.
Genome position (GRCh38, 1-based): chrX:124,066,171, A>C. VCF-style: chrX-124066171-A-C. GRCh37 (hg19) VCF-style: chrX-123200021-A-C.
Other names: NC_000023.10:g.123200021A>C; c.2097-4A>C (NM_001441081.1, NM_001441079.1, NM_001441080.1 and 23 more transcripts).
Identifiers: ClinVar variation 4468815 (VCV004468815.3).

ClinVar aggregate classification (germline): Likely benign. Review status: criteria provided, multiple submitters, no conflicts (2 of 4 stars). 2 submissions from 2 submitters: Likely benign (2). Last evaluated 2025-09-24.

Conditions:
STAG2-related disorder. Also called: STAG2-Related Disorders.

Submissions (3):

Labcorp Genetics (formerly Invitae), Labcorp
Classification: Likely benign. Last evaluated: 2025-09-24. Review status: criteria provided, single submitter. Criteria: Invitae Variant Classification Sherloc (09022015). Collection method: clinical testing. Allele origin: germline.

PreventionGenetics, part of Exact Sciences
Classification: Likely benign for STAG2-related condition. Last evaluated: 2024-10-29. Review status: criteria provided, single submitter. Criteria: ACMG Guidelines, 2015. Collection method: clinical testing. Allele origin: germline.
Comment: This variant is classified as likely benign based on ACMG/AMP sequence variant interpretation guidelines (Richards et al. 2015 PMID: 25741868, with internal and published modifications).

Dr. Peter K. Rogan Lab, Western University
No classification provided (evidence only). Condition: Malignant tumor of urinary bladder. Review status: no classification provided. Collection method: in vitro. Allele origin: not applicable. Functional consequence: retained intron. Not counted in ClinVar's aggregate classification.